The following is an entry in ClinVar:

NM_000075.4(CDK4):c.595A>C (p.Ser199Arg)

Gene: CDK4 (cyclin dependent kinase 4; minus strand). Cytogenetic location: 12q14.1.
Variant type: single nucleotide variant.
Coding change: c.595A>C on transcript NM_000075.4 (MANE Select); coding-DNA position 595, A replaced by C.
Protein change: p.Ser199Arg; replaces serine 199 with arginine.
Molecular consequence: missense variant.
Genome position (GRCh38, 1-based): chr12:57,750,693, T>G on the plus strand (A>C on the coding strand, the complement: CDK4 is on the minus strand). VCF-style: chr12-57750693-T-G. GRCh37 (hg19) VCF-style: chr12-58144476-T-G.
Other names: short protein forms S199R.
Identifiers: ClinVar variation 1750711 (VCV001750711.7), dbSNP rs2540900371, ClinGen allele CA385545703.

ClinVar aggregate classification (germline): Uncertain significance. Review status: criteria provided, multiple submitters, no conflicts (2 of 4 stars). 2 submissions from 2 submitters: Uncertain significance (2). Last evaluated 2023-11-28.

Conditions:
Familial melanoma. Also called: Hereditary melanoma; Hereditary cutaneous melanoma. Identifiers: Orphanet 618, MedGen C1512419, MONDO:0018961.
Hereditary cancer-predisposing syndrome. Also called: Hereditary Cancer Syndrome; Hereditary neoplastic syndrome; Neoplastic Syndromes, Hereditary; Tumor predisposition. Identifiers: Orphanet 140162, MedGen C0027672, MeSH D009386, MONDO:0015356.

Submissions (2):

Labcorp Genetics (formerly Invitae), Labcorp
Classification: Uncertain significance for Familial melanoma. Last evaluated: 2023-11-28. Review status: criteria provided, single submitter. Criteria: Invitae Variant Classification Sherloc (09022015). Collection method: clinical testing. Allele origin: germline.
Comment: This sequence change replaces serine, which is neutral and polar, with arginine, which is basic and polar, at codon 199 of the CDK4 protein (p.Ser199Arg). This variant is not present in population databases (gnomAD no frequency). This variant has not been reported in the literature in individuals affected with CDK4-related conditions. ClinVar contains an entry for this variant (Variation ID: 1750711). Advanced modeling of protein sequence and biophysical properties (such as structural, functional, and spatial information, amino acid conservation, physicochemical variation, residue mobility, and thermodynamic stability) performed at Invitae indicates that this missense variant is expected to disrupt CDK4 protein function with a positive predictive value of 95%. In summary, the available evidence is currently insufficient to determine the role of this variant in disease. Therefore, it has been classified as a Variant of Uncertain Significance.

Ambry Genetics
Classification: Uncertain significance for Hereditary cancer-predisposing syndrome. Last evaluated: 2022-06-01. Review status: criteria provided, single submitter. Criteria: Ambry Variant Classification Scheme 2023. Collection method: clinical testing. Allele origin: germline.
Comment: The p.S199R variant (also known as c.595A>C), located in coding exon 4 of the CDK4 gene, results from an A to C substitution at nucleotide position 595. The serine at codon 199 is replaced by arginine, an amino acid with dissimilar properties. This amino acid position is highly conserved in available vertebrate species. In addition, this alteration is predicted to be deleterious by in silico analysis. Since supporting evidence is limited at this time, the clinical significance of this alteration remains unclear.